The following is an entry in ClinVar:

ClinVar aggregate classification (germline): Uncertain significance (1 of 4 stars; one submission).

Conditions:
Familial cancer of breast. Also called: hereditary breast carcinoma; BREAST CANCER, FAMILIAL; Hereditary breast cancer. Identifiers: Orphanet 227535, MedGen C0346153, MONDO:0016419, OMIM 114480. Disease mechanism: loss of function.

Submission:

Labcorp Genetics (formerly Invitae), Labcorp
Classification: Uncertain significance for Familial cancer of breast. Last evaluated: 2025-12-02. Review status: criteria provided, single submitter. Criteria: Invitae Variant Classification Sherloc (09022015). Collection method: clinical testing. Allele origin: germline.
Comment: This sequence change replaces serine, which is neutral and polar, with threonine, which is neutral and polar, at codon 241 of the BARD1 protein (p.Ser241Thr). This variant is not present in population databases (gnomAD no frequency). This variant has not been reported in the literature in individuals affected with BARD1-related conditions. An algorithm developed to predict the effect of missense changes on protein structure and function (PolyPhen-2) suggests that this variant is likely to be tolerated. In summary, the available evidence is currently insufficient to determine the role of this variant in disease. Therefore, it has been classified as a Variant of Uncertain Significance.

NM_000465.4(BARD1):c.721T>A (p.Ser241Thr)

Gene: BARD1 (BRCA1 associated RING domain 1; minus strand). Cytogenetic location: 2q35.
Variant type: single nucleotide variant.
Coding change: c.721T>A on transcript NM_000465.4 (MANE Select); coding-DNA position 721, T replaced by A.
Protein change: p.Ser241Thr; replaces serine 241 with threonine.
Molecular consequence: missense variant. On other transcripts: non-coding transcript variant (2), intron variant (3).
Genome position (GRCh38, 1-based): chr2:214,781,153, A>T on the plus strand (T>A on the coding strand, the complement: BARD1 is on the minus strand). VCF-style: chr2-214781153-A-T. GRCh37 (hg19) VCF-style: chr2-215645877-A-T.
Other names: c.664T>A, p.Ser222Thr (NM_001282543.2); c.158+28259T>A (NM_001282548.2); c.215+15908T>A (NM_001282545.2); c.364+11144T>A (NM_001282549.2); short protein forms S241T, S222T.
Identifiers: ClinVar variation 4732380 (VCV004732380.1).